The following is an entry in ClinVar:

NM_000142.5(FGFR3):c.2031-3C>T

Gene: FGFR3 (fibroblast growth factor receptor 3; plus strand). Cytogenetic location: 4p16.3.
Variant type: single nucleotide variant.
Coding change: c.2031-3C>T on transcript NM_000142.5 (MANE Select); 3 bases into the intron before coding-DNA position 2031, C replaced by T.
Molecular consequence: intron variant.
Genome position (GRCh38, 1-based): chr4:1,806,543, C>T. VCF-style: chr4-1806543-C-T. GRCh37 (hg19) VCF-style: chr4-1808270-C-T.
Other names: c.2037-3C>T (NM_001163213.2); c.2034-3C>T (NM_001354809.2); c.1963-3C>T (NM_001354810.2); c.1695-3C>T (NM_022965.4); c.2031-3C>T (NM_000142.4).
Identifiers: ClinVar variation 3652403 (VCV003652403.3).

ClinVar aggregate classification (germline): Conflicting classifications of pathogenicity. Review status: criteria provided, conflicting classifications (1 of 4 stars). 2 submissions from 2 submitters: Uncertain significance (1); Likely benign (1). Last evaluated 2025-11-05.

Conditions:
FGFR3-related disorder. Also called: FGFR3-related disorders.

gnomAD v4.1: 35 of 1,613,056 alleles (0.0022%); highest among the groups gnomAD compares: South Asian, 0.034%; no homozygotes.

Submissions (2):

Labcorp Genetics (formerly Invitae), Labcorp
Classification: Uncertain significance. Last evaluated: 2025-11-05. Review status: criteria provided, single submitter. Criteria: Invitae Variant Classification Sherloc (09022015). Collection method: clinical testing. Allele origin: germline.
Comment: This sequence change falls in intron 15 of the FGFR3 gene. It does not directly change the encoded amino acid sequence of the FGFR3 protein. It affects a nucleotide within the consensus splice site. This variant is present in population databases (rs538533088, gnomAD 0.04%). This variant has not been reported in the literature in individuals affected with FGFR3-related conditions. ClinVar contains an entry for this variant (Variation ID: 3652403). Variants that disrupt the consensus splice site are a relatively common cause of aberrant splicing (PMID: 17576681, 9536098). Algorithms developed to predict the effect of sequence changes on RNA splicing suggest that this variant is not likely to affect RNA splicing. In summary, the available evidence is currently insufficient to determine the role of this variant in disease. Therefore, it has been classified as a Variant of Uncertain Significance.

PreventionGenetics, part of Exact Sciences
Classification: Likely benign for FGFR3-related condition. Last evaluated: 2024-12-06. Review status: criteria provided, single submitter. Criteria: ACMG Guidelines, 2015. Collection method: clinical testing. Allele origin: germline.
Comment: This variant is classified as likely benign based on ACMG/AMP sequence variant interpretation guidelines (Richards et al. 2015 PMID: 25741868, with internal and published modifications).

Literature cited by the submitters: PubMed 17576681 (cited by Labcorp Genetics (formerly Invitae), Labcorp); PubMed 9536098 (cited by Labcorp Genetics (formerly Invitae), Labcorp).